The following is an entry in ClinVar:

NM_170675.5(MEIS2):c.308C>T (p.Pro103Leu)

Gene: MEIS2 (Meis homeobox 2; minus strand). Cytogenetic location: 15q14.
Variant type: single nucleotide variant.
Coding change: c.308C>T on transcript NM_170675.5 (MANE Select); coding-DNA position 308, C replaced by T.
Protein change: p.Pro103Leu; replaces proline 103 with leucine.
Molecular consequence: missense variant. On other transcripts: non-coding transcript variant (1).
Genome position (GRCh38, 1-based): chr15:37,096,368, G>A on the plus strand (C>T on the coding strand, the complement: MEIS2 is on the minus strand). VCF-style: chr15-37096368-G-A. GRCh37 (hg19) VCF-style: chr15-37388569-G-A.
Other names: c.308C>T, p.Pro103Leu (NM_001220482.2, NM_170674.5, NM_170676.5 and 1 more transcripts); c.269C>T, p.Pro90Leu (NM_002399.4, NM_172315.3); c.44C>T, p.Pro15Leu (NM_172316.3); short protein forms P103L, P15L, P90L.
Identifiers: ClinVar variation 3384529 (VCV003384529.1).
Genomic context (GRCh38, chr15:37,096,368, plus strand): 5'-ATGTCCTCGTTGAAGGAGTCGGAGGAGCAGACGTCTCCGCCAGCCACTCCAGGTTCCCGG[G>A]GAGTGCAGGTCGCCAGCTCGCACTTCTCAAAGACCAGAGCTAACAGAGGAAACAACGGGT-3'
Protein context (NP_733775.1, residues 93-113): FEKCELATCT[Pro103Leu]REPGVAGGDV

ClinVar aggregate classification (germline): Uncertain significance (1 of 4 stars; one submission).

gnomAD v4.1: 1 of 1,613,990 alleles (0.000062%); highest among the groups gnomAD compares: Non-Finnish European, 0.000085%; no homozygotes.

Submission:

GeneDx
Classification: Uncertain significance. Last evaluated: 2024-06-08. Review status: criteria provided, single submitter. Criteria: GeneDx Variant Classification Process June 2021. Collection method: clinical testing. Allele origin: germline. Affected: yes.
Comment: Not observed at significant frequency in large population cohorts (gnomAD); In silico analysis supports that this missense variant has a deleterious effect on protein structure/function; Has not been previously published as pathogenic or benign to our knowledge